The following is an entry in ClinVar:

NM_000057.4(BLM):c.531T>A (p.Phe177Leu)

Gene: BLM (BLM RecQ like helicase; plus strand). Cytogenetic location: 15q26.1.
Variant type: single nucleotide variant.
Coding change: c.531T>A on transcript NM_000057.4 (MANE Select); coding-DNA position 531, T replaced by A.
Protein change: p.Phe177Leu; replaces phenylalanine 177 with leucine.
Molecular consequence: missense variant. On other transcripts: 5 prime UTR variant (1).
Genome position (GRCh38, 1-based): chr15:90,749,799, T>A. VCF-style: chr15-90749799-T-A. GRCh37 (hg19) VCF-style: chr15-91293029-T-A.
Other names: c.531T>A, p.Phe177Leu (NM_001287246.2, NM_001287247.2); c.-761T>A (NM_001287248.2); short protein forms F177L.
Identifiers: ClinVar variation 3224832 (VCV003224832.1), dbSNP rs1427436470, ClinGen allele CA393840992.

ClinVar aggregate classification (germline): Uncertain significance (1 of 4 stars; one submission).

Conditions:
Hereditary cancer-predisposing syndrome. Also called: Tumor predisposition; Hereditary neoplastic syndrome; Hereditary Cancer Syndrome; Neoplastic Syndromes, Hereditary. Identifiers: Orphanet 140162, MedGen C0027672, MeSH D009386, MONDO:0015356.

Submission:

Ambry Genetics
Classification: Uncertain significance for Hereditary cancer-predisposing syndrome. Last evaluated: 2023-12-01. Review status: criteria provided, single submitter. Criteria: Ambry Variant Classification Scheme 2023. Collection method: clinical testing. Allele origin: germline.
Comment: The p.F177L variant (also known as c.531T>A), located in coding exon 2 of the BLM gene, results from a T to A substitution at nucleotide position 531. The phenylalanine at codon 177 is replaced by leucine, an amino acid with highly similar properties. This amino acid position is conserved. In addition, this alteration is predicted to be tolerated by in silico analysis. Since supporting evidence is limited at this time, the clinical significance of this alteration remains unclear.